The following is an entry in ClinVar:

NM_002180.3(IGHMBP2):c.1932C>T (p.Asp644=)

Gene: IGHMBP2 (immunoglobulin mu DNA binding protein 2; plus strand). Cytogenetic location: 11q13.3.
Variant type: single nucleotide variant.
Coding change: c.1932C>T on transcript NM_002180.3 (MANE Select); coding-DNA position 1932, C replaced by T.
Protein change: p.Asp644=; no amino-acid change (aspartic acid 644 retained).
Molecular consequence: synonymous variant.
Genome position (GRCh38, 1-based): chr11:68,936,412, C>T. VCF-style: chr11-68936412-C-T. GRCh37 (hg19) VCF-style: chr11-68703880-C-T.
Identifiers: ClinVar variation 515957 (VCV000515957.14), dbSNP rs769397483, ClinGen allele CA6153808.
Genomic context (GRCh38, chr11:68,936,412, plus strand): 5'-GACCCTGGTGGAGTATTTCACACAGCATGGGGAAGTACGCACGGCCTTTGAGTATCTTGA[C>T]GATATTGTCCCAGAAAACTATTCCCATGAGAACTCCCAGGGTTCCAGCCACGCTGCCACC-3'
Protein context (NP_002171.2, residues 634-654): GEVRTAFEYL[Asp644=]DIVPENYSHE

ClinVar aggregate classification (germline): Likely benign. Review status: criteria provided, multiple submitters, no conflicts (2 of 4 stars). 4 submissions from 4 submitters: Likely benign (4). Last evaluated 2025-08-12.

Conditions:
IGHMBP2-related disorder. Also called: IGHMBP2-related condition; IGHMBP2-related disorders.
Charcot-Marie-Tooth disease axonal type 2S. Also called: CHARCOT-MARIE-TOOTH DISEASE, AXONAL, AUTOSOMAL RECESSIVE, TYPE 2S; CHARCOT-MARIE-TOOTH NEUROPATHY, TYPE 2S. Identifiers: Orphanet 443073, MedGen C4015349, MONDO:0014511, OMIM 616155.
Autosomal recessive distal spinal muscular atrophy 1. Also called: HMN VI; SPINAL MUSCULAR ATROPHY, DIAPHRAGMATIC; Spinal muscular atrophy with respiratory distress 1; NEURONOPATHY, SEVERE INFANTILE AXONAL, WITH RESPIRATORY FAILURE; SEVERE INFANTILE AXONAL NEUROPATHY WITH RESPIRATORY FAILURE; NEURONOPATHY, DISTAL HEREDITARY MOTOR, HARDING TYPE VI. Identifiers: Orphanet 98920, MedGen C1858517, MONDO:0011436, OMIM 604320.
Inborn genetic diseases. Identifiers: MedGen C0950123, MeSH D030342.

Allele frequency attached by ClinVar (database versions not stated): gnomAD exomes 0.00002; ExAC 0.00003; gnomAD 0.00003; TOPMed 0.00003.
gnomAD v4.1: 37 of 1,614,038 alleles (0.0023%); highest among the groups gnomAD compares: African/African-American, 0.0067%; no homozygotes.

Submissions (4):

PreventionGenetics, part of Exact Sciences
Classification: Likely benign for IGHMBP2-related condition. Last evaluated: 2025-08-12. Review status: criteria provided, single submitter. Criteria: ACMG Guidelines, 2015. Collection method: clinical testing. Allele origin: germline.
Comment: This variant is classified as likely benign based on ACMG/AMP sequence variant interpretation guidelines (Richards et al. 2015 PMID: 25741868, with internal and published modifications).

Labcorp Genetics (formerly Invitae), Labcorp
Classification: Likely benign for Autosomal recessive distal spinal muscular atrophy 1; Charcot-Marie-Tooth disease axonal type 2S. Last evaluated: 2023-09-18. Review status: criteria provided, single submitter. Criteria: Invitae Variant Classification Sherloc (09022015). Collection method: clinical testing. Allele origin: germline.

Ambry Genetics
Classification: Likely benign for Inborn genetic diseases. Last evaluated: 2019-07-11. Review status: criteria provided, single submitter. Criteria: Ambry Variant Classification Scheme 2023. Collection method: clinical testing. Allele origin: germline.

GeneDx
Classification: Likely benign. Last evaluated: 2018-03-08. Review status: criteria provided, single submitter. Criteria: GeneDx Variant Classification (06012015). Collection method: clinical testing. Allele origin: germline. Affected: yes.
Comment: This variant is considered likely benign or benign based on one or more of the following criteria: it is a conservative change, it occurs at a poorly conserved position in the protein, it is predicted to be benign by multiple in silico algorithms, and/or has population frequency not consistent with disease.